The following is an entry in ClinVar:

ClinVar aggregate classification (germline): Benign. Review status: criteria provided, multiple submitters, no conflicts (2 of 4 stars). 25 submissions from 18 submitters: Benign (22). 3 of the submissions do not count toward it. Last evaluated 2026-02-04.

Conditions:
Dilated cardiomyopathy 1G (CMD1G). Identifiers: Orphanet 154, MedGen C1858763, MONDO:0011400, OMIM 604145.
Autosomal recessive limb-girdle muscular dystrophy type 2J (LGMDR10). Also called: MUSCULAR DYSTROPHY, LIMB-GIRDLE, AUTOSOMAL RECESSIVE 10; Limb-girdle muscular dystrophy, type 2J. Identifiers: Orphanet 140922, MedGen C1837342, MONDO:0012127, OMIM 608807.
Cardiovascular phenotype. Identifiers: MedGen CN230736.
Early-onset myopathy with fatal cardiomyopathy (CMYO5). Also called: CONGENITAL MYOPATHY 5 WITH CARDIOMYOPATHY; Salih Myopathy. Identifiers: Orphanet 289377, MedGen C2673677, MONDO:0012714, OMIM 611705. Disease mechanism: loss of function.
Myopathy, myofibrillar, 9, with early respiratory failure (MFM9). Also called: Myopathy, distal, with early respiratory failure, autosomal dominant; Hereditary myopathy with early respiratory failure; MYOPATHY, PROXIMAL, WITH EARLY RESPIRATORY MUSCLE INVOLVEMENT; EDSTROM MYOPATHY. Identifiers: Orphanet 178464, Orphanet 34521, MedGen C1863599, MONDO:0011362, OMIM 603689.
Tibial muscular dystrophy (TMD). Also called: Udd Distal Myopathy – Tibial Muscular Dystrophy; Tibial muscular dystrophy, tardive; UDD MYOPATHY. Identifiers: Orphanet 609, MedGen C1838244, MONDO:0010870, OMIM 600334.

Allele frequency attached by ClinVar (database versions not stated): 1000 Genomes Project 0.14657; TOPMed 0.20413; 1000 Genomes Project 30x 0.14850; gnomAD 0.23109 and 0.23390; ESP Exome Variant Server 0.23862.
gnomAD v4.1: 449,269 of 1,613,078 alleles (28%); highest among the groups gnomAD compares: Non-Finnish European, 31%; 66,896 homozygotes.

Submissions (25):

Labcorp Genetics (formerly Invitae), Labcorp
Classification: Benign for Dilated cardiomyopathy 1G; Autosomal recessive limb-girdle muscular dystrophy type 2J. Last evaluated: 2026-02-04. Review status: criteria provided, single submitter. Criteria: Invitae Variant Classification Sherloc (09022015). Collection method: clinical testing. Allele origin: germline.

Molecular Diagnostic Laboratory for Inherited Cardiovascular Disease, Montreal Heart Institute
Classification: Benign. Last evaluated: 2025-04-09. Review status: criteria provided, single submitter. Criteria: ACMG Guidelines, 2015. Collection method: clinical testing. Allele origin: germline. Affected: no.

Blueprint Genetics
Classification: Benign. Last evaluated: 2024-11-26. Review status: criteria provided, single submitter. Criteria: ACMG Guidelines, 2015. Collection method: clinical testing. Allele origin: germline.

Genome-Nilou Lab
Classification: Benign for Autosomal recessive limb-girdle muscular dystrophy type 2J. Last evaluated: 2021-09-10. Review status: criteria provided, single submitter. Criteria: ACMG Guidelines, 2015. Collection method: clinical testing. Allele origin: germline. Affected: no.

Genome-Nilou Lab
Classification: Benign for Myopathy, myofibrillar, 9, with early respiratory failure. Last evaluated: 2021-09-10. Review status: criteria provided, single submitter. Criteria: ACMG Guidelines, 2015. Collection method: clinical testing. Allele origin: germline. Affected: no.

Genome-Nilou Lab
Classification: Benign for Early-onset myopathy with fatal cardiomyopathy. Last evaluated: 2021-09-10. Review status: criteria provided, single submitter. Criteria: ACMG Guidelines, 2015. Collection method: clinical testing. Allele origin: germline. Affected: no.

Genome-Nilou Lab
Classification: Benign for Tibial muscular dystrophy. Last evaluated: 2021-09-10. Review status: criteria provided, single submitter. Criteria: ACMG Guidelines, 2015. Collection method: clinical testing. Allele origin: germline. Affected: no.

Women's Health and Genetics/Laboratory Corporation of America, LabCorp
Classification: Benign. Last evaluated: 2019-08-09. Review status: criteria provided, single submitter. Criteria: LabCorp Variant Classification Summary - May 2015. Collection method: clinical testing. Allele origin: germline.

Athena Diagnostics
Classification: Benign. Last evaluated: 2018-11-02. Review status: criteria provided, single submitter. Criteria: Athena Diagnostics Criteria. Collection method: clinical testing. Allele origin: germline.

Illumina Laboratory Services, Illumina
Classification: Benign for Early-onset myopathy with fatal cardiomyopathy. Last evaluated: 2018-01-13. Review status: criteria provided, single submitter. Criteria: ICSL Variant Classification Criteria 13 December 2019. Collection method: clinical testing. Allele origin: germline.
Comment: This variant was observed in the ICSL laboratory as part of a predisposition screen in an ostensibly healthy population. It had not been previously curated by ICSL or reported in the Human Gene Mutation Database (HGMD: prior to June 1st, 2018), and was therefore a candidate for classification through an automated scoring system. Utilizing variant allele frequency, disease prevalence and penetrance estimates, and inheritance mode, an automated score was calculated to assess if this variant is too frequent to cause the disease. Based on the score and internal cut-off values, a variant classified as benign is not then subjected to further curation. The score for this variant resulted in a classification of benign for this disease.

Illumina Laboratory Services, Illumina
Classification: Benign for Autosomal recessive limb-girdle muscular dystrophy type 2J. Last evaluated: 2018-01-13. Review status: criteria provided, single submitter. Criteria: ICSL Variant Classification Criteria 13 December 2019. Collection method: clinical testing. Allele origin: germline.
Comment: the same text as in the submission from Illumina Laboratory Services, Illumina above.

Illumina Laboratory Services, Illumina
Classification: Benign for Myopathy, myofibrillar, 9, with early respiratory failure. Last evaluated: 2018-01-13. Review status: criteria provided, single submitter. Criteria: ICSL Variant Classification Criteria 13 December 2019. Collection method: clinical testing. Allele origin: germline.
Comment: the same text as in the submission from Illumina Laboratory Services, Illumina above.

Illumina Laboratory Services, Illumina
Classification: Benign for Tibial muscular dystrophy. Last evaluated: 2018-01-13. Review status: criteria provided, single submitter. Criteria: ICSL Variant Classification Criteria 13 December 2019. Collection method: clinical testing. Allele origin: germline.
Comment: the same text as in the submission from Illumina Laboratory Services, Illumina above.

Illumina Laboratory Services, Illumina
Classification: Benign for Dilated cardiomyopathy 1G. Last evaluated: 2018-01-13. Review status: criteria provided, single submitter. Criteria: ICSL Variant Classification Criteria 13 December 2019. Collection method: clinical testing. Allele origin: germline.
Comment: the same text as in the submission from Illumina Laboratory Services, Illumina above.

Mayo Clinic Laboratories, Mayo Clinic
Classification: Benign. Last evaluated: 2017-07-24. Review status: criteria provided, single submitter. Criteria: ACMG Guidelines, 2015. Collection method: clinical testing. Allele origin: germline. Observed: 1,074 variant alleles.

Eurofins Ntd Llc (ga)
Classification: Benign. Last evaluated: 2014-02-05. Review status: criteria provided, single submitter. Criteria: EGL Classification Definitions 2015. Collection method: clinical testing. Allele origin: germline. Observed: 2 variant alleles, 2 heterozygotes.

Genetic Services Laboratory, University of Chicago
Classification: Benign for AllHighlyPenetrant. Last evaluated: 2013-08-15. Review status: criteria provided, single submitter. Criteria: ACMG Guidelines, 2007. Collection method: clinical testing. Allele origin: germline.

Ambry Genetics
Classification: Benign for Cardiovascular phenotype. Last evaluated: 2013-01-15. Review status: criteria provided, single submitter. Criteria: Ambry Autosomal Dominant and X-Linked criteria (10/2015). Collection method: clinical testing. Allele origin: germline. Observed: 1 variant allele.

GeneDx
Classification: Benign. Last evaluated: 2012-10-23. Review status: criteria provided, single submitter. Criteria: GeneDx Variant Classification (06012015). Collection method: clinical testing. Allele origin: germline. Affected: yes.
Comment: This variant is considered likely benign or benign based on one or more of the following criteria: it is a conservative change, it occurs at a poorly conserved position in the protein, it is predicted to be benign by multiple in silico algorithms, and/or has population frequency not consistent with disease.

Laboratory for Molecular Medicine, Mass General Brigham Personalized Medicine
Classification: Benign. Last evaluated: 2011-09-16. Review status: criteria provided, single submitter. Criteria: LMM Criteria. Collection method: clinical testing. Allele origin: germline. Observed: 765 variant alleles.

Breakthrough Genomics
Classification: Benign. Review status: criteria provided, single submitter. Criteria: ACMG Guidelines, 2015. Collection method: not provided. Allele origin: germline. Inheritance: Autosomal recessive inheritance. Affected: yes.

PreventionGenetics, part of Exact Sciences
Classification: Benign. Review status: criteria provided, single submitter. Criteria: ACMG Guidelines, 2015. Collection method: clinical testing. Allele origin: germline.

Clinical Genetics DNA and cytogenetics Diagnostics Lab, Erasmus MC, Erasmus Medical Center
Classification: Benign. Review status: no assertion criteria provided. Collection method: clinical testing. Allele origin: germline. Affected: yes. Study: VKGL Data-share Consensus. Not counted in ClinVar's aggregate classification.

Clinical Genetics, Academic Medical Center
Classification: Benign. Review status: no assertion criteria provided. Collection method: clinical testing. Allele origin: germline. Affected: yes. Study: VKGL Data-share Consensus. Not counted in ClinVar's aggregate classification.

Joint Genome Diagnostic Labs from Nijmegen and Maastricht, Radboudumc and MUMC+
Classification: Benign. Review status: no assertion criteria provided. Collection method: clinical testing. Allele origin: germline. Affected: yes. Study: VKGL Data-share Consensus. Not counted in ClinVar's aggregate classification.

NM_001267550.2(TTN):c.70830C>T (p.Ser23610=)

Genes: TTN (titin; minus strand), TTN-AS1 (TTN antisense RNA 1; plus strand). Cytogenetic location: 2q31.2.
Variant type: single nucleotide variant.
Coding change: c.70830C>T on transcript NM_001267550.2 (MANE Select); coding-DNA position 70830, C replaced by T.
Protein change: p.Ser23610=; no amino-acid change (serine 23610 retained).
Molecular consequence: synonymous variant.
Genome position (GRCh38, 1-based): chr2:178,575,302, G>A on the plus strand (C>T on the coding strand, the complement: TTN is on the minus strand). VCF-style: chr2-178575302-G-A. GRCh37 (hg19) VCF-style: chr2-179440029-G-A.
Other names: p.S21969S:AGC>AGT; p.Ser21042=; c.65907C>T, p.Ser21969= (NM_001256850.1); c.43635C>T, p.Ser14545= (NM_003319.4); c.63126C>T, p.Ser21042= (NM_133378.4); c.44010C>T, p.Ser14670= (NM_133432.3); c.44211C>T, p.Ser14737= (NM_133437.4).
Identifiers: ClinVar variation 47293 (VCV000047293.39), dbSNP rs12464787, ClinGen allele CA283697.